The following is an entry in ClinVar:

NM_001572.5(IRF7):c.488A>T (p.His163Leu)

Gene: IRF7 (interferon regulatory factor 7; minus strand). Cytogenetic location: 11p15.5.
Variant type: single nucleotide variant.
Coding change: c.488A>T on transcript NM_001572.5 (MANE Select); coding-DNA position 488, A replaced by T.
Protein change: p.His163Leu; replaces histidine 163 with leucine.
Molecular consequence: missense variant.
Genome position (GRCh38, 1-based): chr11:614,365, T>A on the plus strand (A>T on the coding strand, the complement: IRF7 is on the minus strand). VCF-style: chr11-614365-T-A. GRCh37 (hg19) VCF-style: chr11-614365-T-A.
Other names: c.488A>T, p.His163Leu (NM_004029.4); c.527A>T, p.His176Leu (NM_004031.4); c.527A>T (NM_004031.2); short protein forms H176L, H163L.
Identifiers: ClinVar variation 1933765 (VCV001933765.6), dbSNP rs1488871360, ClinGen allele CA378982290.
Genomic context (GRCh38, chr11:614,365, plus strand): 5'-AGGAGGTCCCCCTTGTCACCAGCTGGGGCAGGGAGGGGGCCTGGGGCTTGGAGTCCAGCA[T>A]GTGTGTGTGCCAGGAATGGCCCTGGGGGCCCACCCTGCAGGGAAAAGTCAGGGTGAACGT-3'
Protein context (NP_001563.2, residues 153-173): GPPGPFLAHT[His163Leu]AGLQAPGPLP

ClinVar aggregate classification (germline): Uncertain significance. Review status: criteria provided, multiple submitters, no conflicts (2 of 4 stars). 2 submissions from 2 submitters: Uncertain significance (2). Last evaluated 2025-08-07.

Conditions:
Immunodeficiency 39 (IMD39). Identifiers: Orphanet 574918, MedGen C4225358, MONDO:0014597, OMIM 616345.

Allele frequency attached by ClinVar (database versions not stated): TOPMed 0.00001.
gnomAD v4.1: 1 of 1,609,286 alleles (0.000062%); no homozygotes.

Submissions (2):

Ambry Genetics
Classification: Uncertain significance. Last evaluated: 2025-08-07. Review status: criteria provided, single submitter. Criteria: Ambry Variant Classification Scheme 2023. Collection method: clinical testing. Allele origin: germline.

Labcorp Genetics (formerly Invitae), Labcorp
Classification: Uncertain significance for Immunodeficiency 39. Last evaluated: 2022-10-19. Review status: criteria provided, single submitter. Criteria: Invitae Variant Classification Sherloc (09022015). Collection method: clinical testing. Allele origin: germline.
Comment: This sequence change replaces histidine, which is basic and polar, with leucine, which is neutral and non-polar, at codon 176 of the IRF7 protein (p.His176Leu). In summary, the available evidence is currently insufficient to determine the role of this variant in disease. Therefore, it has been classified as a Variant of Uncertain Significance. Algorithms developed to predict the effect of missense changes on protein structure and function (SIFT, PolyPhen-2, Align-GVGD) all suggest that this variant is likely to be tolerated. This variant has not been reported in the literature in individuals affected with IRF7-related conditions. This variant is not present in population databases (gnomAD no frequency).